The following is an entry in ClinVar:

ClinVar aggregate classification (germline): Likely benign. Review status: criteria provided, multiple submitters, no conflicts (2 of 4 stars). 3 submissions from 3 submitters: Likely benign (2). 1 of the submissions does not count toward it. Last evaluated 2026-01-31.

Conditions:
PIK3AP1-related disorder. Also called: PIK3AP1-related condition.
Infantile spasms. Also called: Infantile spasm. Identifiers: MedGen C3887898, HP:0012469.

Allele frequency attached by ClinVar (database versions not stated): 1000 Genomes Project 30x 0.00109; 1000 Genomes Project 0.00120; gnomAD 0.00156; ExAC 0.00222; TOPMed 0.00252; ESP Exome Variant Server 0.00269.
gnomAD v4.1: 4,396 of 1,613,502 alleles (0.27%); highest among the groups gnomAD compares: Admixed American, 0.39%; 12 homozygotes.

Submissions (3):

Labcorp Genetics (formerly Invitae), Labcorp
Classification: Likely benign for Infantile spasms. Last evaluated: 2026-01-31. Review status: criteria provided, single submitter. Criteria: Invitae Variant Classification Sherloc (09022015). Collection method: clinical testing. Allele origin: germline.

Breakthrough Genomics
Classification: Likely benign. Review status: criteria provided, single submitter. Criteria: ACMG Guidelines, 2015. Collection method: not provided. Allele origin: germline. Inheritance: Unknown mechanism. Affected: yes.

PreventionGenetics, part of Exact Sciences
Classification: Likely benign for PIK3AP1-related condition. Last evaluated: 2019-12-19. Review status: no assertion criteria provided. Collection method: clinical testing. Allele origin: germline. Not counted in ClinVar's aggregate classification.
Comment: This variant is classified as likely benign based on ACMG/AMP sequence variant interpretation guidelines (Richards et al. 2015 PMID: 25741868, with internal and published modifications).

NM_152309.3(PIK3AP1):c.217G>T (p.Ala73Ser)

Gene: PIK3AP1 (phosphoinositide-3-kinase adaptor protein 1; minus strand). Cytogenetic location: 10q24.1.
Variant type: single nucleotide variant.
Coding change: c.217G>T on transcript NM_152309.3 (MANE Select); coding-DNA position 217, G replaced by T.
Protein change: p.Ala73Ser; replaces alanine 73 with serine.
Molecular consequence: missense variant.
Genome position (GRCh38, 1-based): chr10:96,709,780, C>A on the plus strand (G>T on the coding strand, the complement: PIK3AP1 is on the minus strand). VCF-style: chr10-96709780-C-A. GRCh37 (hg19) VCF-style: chr10-98469537-C-A.
Other names: short protein forms A73S.
Identifiers: ClinVar variation 474923 (VCV000474923.15), dbSNP rs146527410, ClinGen allele CA5626588.
Genomic context (GRCh38, chr10:96,709,780, plus strand): 5'-GGAAAGCTCTCTGCAGCAGGGGCAGCAAGGCGGGCTTGTGGAAGTGCTGCACCAGCTCCG[C>A]GGACAGCAGCACCACGACACAGCGGGTGCTGAGGAAAAGGCTTAGGTCCTCTGCCGAGAA-3'
Protein context (NP_689522.2, residues 63-83): STRCVVVLLS[Ala73Ser]ELVQHFHKPA